The following is an entry in ClinVar:

ClinVar aggregate classification (germline): Uncertain significance (1 of 4 stars; one submission).

Submission:

CeGaT Center for Human Genetics Tuebingen
Classification: Uncertain significance. Last evaluated: 2025-02-01. Review status: criteria provided, single submitter. Criteria: CeGaT Center For Human Genetics Tuebingen Variant Classification Criteria Version 2. Collection method: clinical testing. Allele origin: germline. Affected: yes. Observed: 1 variant allele.
Comment: CHD7: PM2

NM_017780.4(CHD7):c.1331G>C (p.Gly444Ala)

Gene: CHD7 (chromodomain helicase DNA binding protein 7; plus strand). Cytogenetic location: 8q12.2.
Variant type: single nucleotide variant.
Coding change: c.1331G>C on transcript NM_017780.4 (MANE Select); coding-DNA position 1331, G replaced by C.
Protein change: p.Gly444Ala; replaces glycine 444 with alanine.
Molecular consequence: missense variant.
Genome position (GRCh38, 1-based): chr8:60,742,763, G>C. VCF-style: chr8-60742763-G-C. GRCh37 (hg19) VCF-style: chr8-61655322-G-C.
Other names: c.1331G>C, p.Gly444Ala (NM_001316690.1); short protein forms G444A.
Identifiers: ClinVar variation 3772576 (VCV003772576.13).